The following is an entry in ClinVar:

ClinVar aggregate classification (germline): Uncertain significance. Review status: criteria provided, multiple submitters, no conflicts (2 of 4 stars). 2 submissions from 2 submitters: Uncertain significance (2). Last evaluated 2025-03-11.

Allele frequency attached by ClinVar (database versions not stated): gnomAD exomes below 0.00001; gnomAD 0.00001; TOPMed 0.00001.
gnomAD v4.1: 6 of 1,577,390 alleles (0.00038%); highest among the groups gnomAD compares: Non-Finnish European, 0.00052%; no homozygotes.

Submissions (2):

Labcorp Genetics (formerly Invitae), Labcorp
Classification: Uncertain significance. Last evaluated: 2025-03-11. Review status: criteria provided, single submitter. Criteria: Invitae Variant Classification Sherloc (09022015). Collection method: clinical testing. Allele origin: germline.
Comment: This sequence change replaces phenylalanine, which is neutral and non-polar, with leucine, which is neutral and non-polar, at codon 415 of the LIPI protein (p.Phe415Leu). This variant is not present in population databases (gnomAD no frequency). This variant has not been reported in the literature in individuals affected with LIPI-related conditions. ClinVar contains an entry for this variant (Variation ID: 2307816). An algorithm developed to predict the effect of missense changes on protein structure and function (PolyPhen-2) suggests that this variant is likely to be tolerated. In summary, the available evidence is currently insufficient to determine the role of this variant in disease. Therefore, it has been classified as a Variant of Uncertain Significance.

Ambry Genetics
Classification: Uncertain significance. Last evaluated: 2022-08-17. Review status: criteria provided, single submitter. Criteria: Ambry Variant Classification Scheme 2023. Collection method: clinical testing. Allele origin: germline.

NM_001302998.2(LIPI):c.1182T>G (p.Phe394Leu)

Gene: LIPI (lipase I; minus strand). Cytogenetic location: 21q11.2.
Variant type: single nucleotide variant.
Coding change: c.1182T>G on transcript NM_001302998.2 (MANE Select); coding-DNA position 1182, T replaced by G.
Protein change: p.Phe394Leu; replaces phenylalanine 394 with leucine.
Molecular consequence: missense variant. On other transcripts: intron variant (1).
Genome position (GRCh38, 1-based): chr21:14,144,736, A>C on the plus strand (T>G on the coding strand, the complement: LIPI is on the minus strand). VCF-style: chr21-14144736-A-C. GRCh37 (hg19) VCF-style: chr21-15517057-A-C.
Other names: c.1092T>G, p.Phe364Leu (NM_001302999.2); c.1164T>G, p.Phe388Leu (NM_001303000.2); c.1077T>G, p.Phe359Leu (NM_001379565.1); c.687T>G, p.Phe229Leu (NM_001379566.1); c.1047T>G, p.Phe349Leu (NM_198996.4); c.1006+18683T>G (NM_001303001.2); short protein forms F388L, F364L, F229L, F359L, F394L, F349L.
Identifiers: ClinVar variation 2307816 (VCV002307816.3), dbSNP rs1363654442, ClinGen allele CA409820794.